The following is an entry in ClinVar:

NM_015311.3(OBSL1):c.5045G>T (p.Arg1682Leu)

Gene: OBSL1 (obscurin like cytoskeletal adaptor 1; minus strand). Cytogenetic location: 2q35.
Variant type: single nucleotide variant.
Coding change: c.5045G>T on transcript NM_015311.3 (MANE Select); coding-DNA position 5045, G replaced by T.
Protein change: p.Arg1682Leu; replaces arginine 1682 with leucine.
Molecular consequence: missense variant.
Genome position (GRCh38, 1-based): chr2:219,552,969, C>A on the plus strand (G>T on the coding strand, the complement: OBSL1 is on the minus strand). VCF-style: chr2-219552969-C-A. GRCh37 (hg19) VCF-style: chr2-220417691-C-A.
Other names: short protein forms R1682L.
Identifiers: ClinVar variation 1521558 (VCV001521558.6), dbSNP rs1479080818, ClinGen allele CA350720584.
Genomic context (GRCh38, chr2:219,552,969, plus strand): 5'-ACCGCGCAGCTGTAGGTCCCGGCGTCCGAGGGGCCGCAGCGTCGCAGCTGGAGAAGGCGG[C>A]GCGTGCCGAGGGCCTGGAGCCGGAGCCGCGGGCTAGGCGTAAGCGCGTTCCCGTCCTAGG-3'
Protein context (NP_056126.1, residues 1672-1692): PRLRLQALGT[Arg1682Leu]RLLQLRRCGP

ClinVar aggregate classification (germline): Uncertain significance (1 of 4 stars; one submission).

Allele frequency attached by ClinVar (database versions not stated): gnomAD exomes 0.00001.
gnomAD v4.1: 4 of 1,531,428 alleles (0.00026%); highest among the groups gnomAD compares: Non-Finnish European, 0.00035%; no homozygotes.

Submission:

Labcorp Genetics (formerly Invitae), Labcorp
Classification: Uncertain significance. Last evaluated: 2022-07-12. Review status: criteria provided, single submitter. Criteria: Invitae Variant Classification Sherloc (09022015). Collection method: clinical testing. Allele origin: germline.
Comment: In summary, the available evidence is currently insufficient to determine the role of this variant in disease. Therefore, it has been classified as a Variant of Uncertain Significance. Algorithms developed to predict the effect of missense changes on protein structure and function are either unavailable or do not agree on the potential impact of this missense change (SIFT: "Deleterious"; PolyPhen-2: "Benign"; Align-GVGD: "Class C0"). ClinVar contains an entry for this variant (Variation ID: 1521558). This variant has not been reported in the literature in individuals affected with OBSL1-related conditions. The frequency data for this variant in the population databases is considered unreliable, as metrics indicate poor data quality at this position in the gnomAD database. This sequence change replaces arginine, which is basic and polar, with leucine, which is neutral and non-polar, at codon 1682 of the OBSL1 protein (p.Arg1682Leu).